The following is an entry in ClinVar:

NM_001079668.3(NKX2-1):c.*209T>A

Genes: NKX2-1 (NK2 homeobox 1; minus strand), SFTA3 (surfactant associated 3; minus strand). Cytogenetic location: 14q13.3.
Variant type: single nucleotide variant.
Coding change: c.*209T>A on transcript NM_001079668.3 (MANE Select); 209 bases downstream of the stop codon, T replaced by A.
Molecular consequence: 3 prime UTR variant.
Genome position (GRCh38, 1-based): chr14:36,517,069, A>T on the plus strand (T>A on the coding strand, the complement: NKX2-1 is on the minus strand). VCF-style: chr14-36517069-A-T. GRCh37 (hg19) VCF-style: chr14-36986274-A-T.
Other names: c.*209T>A (NM_003317.4).
Identifiers: ClinVar variation 313134 (VCV000313134.37), dbSNP rs572546897, ClinGen allele CA10644132.

ClinVar aggregate classification (germline): Benign. Review status: criteria provided, multiple submitters, no conflicts (2 of 4 stars). 4 submissions from 3 submitters: Benign (4). Last evaluated 2022-06-01.

Conditions:
Brain-lung-thyroid syndrome. Also called: CHOREOATHETOSIS AND CONGENITAL HYPOTHYROIDISM WITH PULMONARY DYSFUNCTION; Choreoathetosis, congenital hypothyroidism, and neonatal respiratory distress; Choreoathetosis, Congenital Hypothyroidism, and Neonatal Respiratory Distress Syndrome (Brain-Lung-Thyroid Syndrome). Identifiers: Orphanet 209905, MedGen C1970269, MONDO:0012593, OMIM 610978.
Benign hereditary chorea (BHC). Also called: HEREDITARY PROGRESSIVE CHOREA WITHOUT DEMENTIA; Benign Hereditary Chorea (BHC). Identifiers: Orphanet 1429, MedGen C0393584, MONDO:0021011, OMIM 118700.

Allele frequency attached by ClinVar (database versions not stated): gnomAD 0.00308 and 0.00312; TOPMed 0.00317; 1000 Genomes Project 30x 0.00344; gnomAD exomes 0.00360; 1000 Genomes Project 0.00459.
gnomAD v4.1: 2,925 of 834,346 alleles (0.35%); highest among the groups gnomAD compares: South Asian, 1.1%; 9 homozygotes.

Submissions (4):

CeGaT Center for Human Genetics Tuebingen
Classification: Benign. Last evaluated: 2022-06-01. Review status: criteria provided, single submitter. Criteria: CeGaT Center For Human Genetics Tuebingen Variant Classification Criteria Version 2. Collection method: clinical testing. Allele origin: germline. Affected: yes. Observed: 1 variant allele.
Comment: NKX2-1: BS1, BS2

Illumina Laboratory Services, Illumina
Classification: Benign for Brain-lung-thyroid syndrome. Last evaluated: 2018-01-13. Review status: criteria provided, single submitter. Criteria: ICSL Variant Classification Criteria 13 December 2019. Collection method: clinical testing. Allele origin: germline.
Comment: This variant was observed in the ICSL laboratory as part of a predisposition screen in an ostensibly healthy population. It had not been previously curated by ICSL or reported in the Human Gene Mutation Database (HGMD: prior to June 1st, 2018), and was therefore a candidate for classification through an automated scoring system. Utilizing variant allele frequency, disease prevalence and penetrance estimates, and inheritance mode, an automated score was calculated to assess if this variant is too frequent to cause the disease. Based on the score and internal cut-off values, a variant classified as benign is not then subjected to further curation. The score for this variant resulted in a classification of benign for this disease.

Illumina Laboratory Services, Illumina
Classification: Benign for Benign hereditary chorea. Last evaluated: 2018-01-13. Review status: criteria provided, single submitter. Criteria: ICSL Variant Classification Criteria 13 December 2019. Collection method: clinical testing. Allele origin: germline.
Comment: the same text as in the submission from Illumina Laboratory Services, Illumina above.

Breakthrough Genomics
Classification: Benign. Review status: criteria provided, single submitter. Criteria: ACMG Guidelines, 2015. Collection method: not provided. Allele origin: germline. Inheritance: Autosomal dominant inheritance. Affected: yes.